The following is an entry in ClinVar:

NM_000179.3(MSH6):c.261-10T>C

Gene: MSH6 (mutS homolog 6; plus strand). Cytogenetic location: 2p16.3.
Variant type: single nucleotide variant.
Coding change: c.261-10T>C on transcript NM_000179.3 (MANE Select); 10 bases into the intron before coding-DNA position 261, T replaced by C.
Molecular consequence: intron variant.
Genome position (GRCh38, 1-based): chr2:47,790,917, T>C. VCF-style: chr2-47790917-T-C. GRCh37 (hg19) VCF-style: chr2-48018056-T-C.
Other names: c.-476-10T>C (NM_001281493.2); c.237+7447T>C (NM_001281492.2); c.-642-10T>C (NM_001281494.2).
Identifiers: ClinVar variation 517674 (VCV000517674.18), dbSNP rs1355406935, ClinGen allele CA658795739.
Genomic context (GRCh38, chr2:47,790,917, plus strand): 5'-TTGTAGGTAACTGCCTTTAAGGAAACTTGACCAAATATTAACTAAGTTATGTATTTCCTT[T>C]TGGCAACAGTTGTGACTTCTCACCAGGAGATTTGGTTTGGGCCAAGATGGAGGGTTACCC-3'

ClinVar aggregate classification (germline): Likely benign. Review status: criteria provided, multiple submitters, no conflicts (2 of 4 stars). 5 submissions from 5 submitters: Likely benign (5). Last evaluated 2026-03-03.

Conditions:
Hereditary nonpolyposis colorectal neoplasms. Identifiers: MedGen C0009405, MeSH D003123.
Lynch syndrome 5 (LYNCH5). Also called: Colorectal cancer, hereditary nonpolyposis, type 5; Hereditary non-polyposis colorectal cancer, type 5. Identifiers: Orphanet 144, MedGen C1833477, MONDO:0013710, OMIM 614350. Disease mechanism: loss of function.
Hereditary cancer-predisposing syndrome. Also called: Tumor predisposition; Hereditary Cancer Syndrome; Neoplastic Syndromes, Hereditary; Hereditary neoplastic syndrome. Identifiers: Orphanet 140162, MedGen C0027672, MeSH D009386, MONDO:0015356.

Allele frequency attached by ClinVar (database versions not stated): gnomAD exomes below 0.00001; TOPMed 0.00001.
gnomAD v4.1: 2 of 1,614,038 alleles (0.00012%); highest among the groups gnomAD compares: Middle Eastern, 0.017%; no homozygotes.

Submissions (5):

Ambry Genetics
Classification: Likely benign for Hereditary cancer-predisposing syndrome. Last evaluated: 2026-03-03. Review status: criteria provided, single submitter. Criteria: Ambry Variant Classification Scheme 2023. Collection method: clinical testing. Allele origin: germline.

Labcorp Genetics (formerly Invitae), Labcorp
Classification: Likely benign for Hereditary nonpolyposis colorectal neoplasms. Last evaluated: 2025-04-28. Review status: criteria provided, single submitter. Criteria: Invitae Variant Classification Sherloc (09022015). Collection method: clinical testing. Allele origin: germline.

Myriad Genetics, Inc.
Classification: Likely benign for Lynch syndrome 5. Last evaluated: 2024-12-18. Review status: criteria provided, single submitter. Criteria: Myriad Autosomal Dominant, Autosomal Recessive and X-Linked Classification Criteria (2023). Collection method: clinical testing. Allele origin: unknown.
Comment: This variant is considered likely benign. This variant is intronic and is not expected to impact mRNA splicing.

Color Diagnostics, LLC DBA Color Health
Classification: Likely benign for Hereditary cancer-predisposing syndrome. Last evaluated: 2021-06-14. Review status: criteria provided, single submitter. Criteria: ACMG Guidelines, 2015. Collection method: clinical testing. Allele origin: germline.

GeneDx
Classification: Likely benign. Last evaluated: 2017-12-20. Review status: criteria provided, single submitter. Criteria: GeneDx Variant Classification (06012015). Collection method: clinical testing. Allele origin: germline. Affected: yes.
Comment: This variant is considered likely benign or benign based on one or more of the following criteria: it is a conservative change, it occurs at a poorly conserved position in the protein, it is predicted to be benign by multiple in silico algorithms, and/or has population frequency not consistent with disease.